The following is an entry in ClinVar:

ClinVar aggregate classification (germline): Conflicting classifications of pathogenicity. Review status: criteria provided, conflicting classifications (1 of 4 stars). 2 submissions from 2 submitters: Uncertain significance (1); Likely benign (1). Last evaluated 2026-07-07.

Conditions:
Hereditary cancer-predisposing syndrome. Also called: Hereditary Cancer Syndrome; Tumor predisposition; Neoplastic Syndromes, Hereditary; Hereditary neoplastic syndrome. Identifiers: Orphanet 140162, MedGen C0027672, MeSH D009386, MONDO:0015356.
Neuroblastoma, susceptibility to, 3. Also called: ALK-Related Neuroblastic Tumor Susceptibility. Identifiers: Orphanet 635, MedGen C2751681, MONDO:0013083, OMIM 613014.

gnomAD v4.1: 2 of 1,614,156 alleles (0.00012%); highest among the groups gnomAD compares: South Asian, 0.0022%; no homozygotes.

Submissions (2):

Ambry Genetics
Classification: Uncertain significance for Hereditary cancer-predisposing syndrome. Last evaluated: 2026-07-07. Review status: criteria provided, single submitter. Criteria: Ambry Variant Classification Scheme 2023. Collection method: clinical testing. Allele origin: germline.
Comment: The c.4194G>T variant (also known as p.P1398P), located in coding exon 29 of the ALK gene, results from a G to T substitution at nucleotide position 4194. This nucleotide substitution does not change the proline at codon 1398. This nucleotide position is not well conserved in available vertebrate species. In silico splice site analysis predicts that this alteration may result in the creation or strengthening of a novel splice acceptor site. Based on the available evidence, the clinical significance of this variant remains unclear.

Labcorp Genetics (formerly Invitae), Labcorp
Classification: Likely benign for Neuroblastoma, susceptibility to, 3. Last evaluated: 2021-03-18. Review status: criteria provided, single submitter. Criteria: Invitae Variant Classification Sherloc (09022015). Collection method: clinical testing. Allele origin: germline.

NM_004304.5(ALK):c.4194G>T (p.Pro1398=)

Gene: ALK (ALK receptor tyrosine kinase; minus strand). Cytogenetic location: 2p23.2.
Variant type: single nucleotide variant.
Coding change: c.4194G>T on transcript NM_004304.5 (MANE Select); coding-DNA position 4194, G replaced by T.
Protein change: p.Pro1398=; no amino-acid change (proline 1398 retained).
Molecular consequence: synonymous variant.
Genome position (GRCh38, 1-based): chr2:29,193,893, C>A on the plus strand (G>T on the coding strand, the complement: ALK is on the minus strand). VCF-style: chr2-29193893-C-A. GRCh37 (hg19) VCF-style: chr2-29416759-C-A.
Other names: c.4194G>T (NM_004304.4); c.990G>T, p.Pro330= (NM_001353765.2).
Identifiers: ClinVar variation 1560485 (VCV001560485.9), dbSNP rs201653228, ClinGen allele CA1593628.